The following is an entry in ClinVar:

ClinVar aggregate classification (germline): Pathogenic/Likely pathogenic. Review status: criteria provided, multiple submitters, no conflicts (2 of 4 stars). 2 submissions from 2 submitters: Pathogenic (1); Likely pathogenic (1). Last evaluated 2025-10-08.

Conditions:
Hyperkalemic periodic paralysis. Also called: Familial hyperkalemic periodic paralysis; Gamstorp disease. Identifiers: Orphanet 682, MedGen C0238357, MONDO:0008224, OMIM 170500, HP:0007215.

Submissions (2):

Labcorp Genetics (formerly Invitae), Labcorp
Classification: Pathogenic for Hyperkalemic periodic paralysis. Last evaluated: 2025-10-08. Review status: criteria provided, single submitter. Criteria: Invitae Variant Classification Sherloc (09022015). Collection method: clinical testing. Allele origin: germline.
Comment: This sequence change replaces leucine, which is neutral and non-polar, with proline, which is neutral and non-polar, at codon 1461 of the SCN4A protein (p.Leu1461Pro). This variant is not present in population databases (gnomAD no frequency). This missense change has been observed in individuals with clinical features of autosomal dominant paramyotonia congenita (PMID: 22094069; internal data). ClinVar contains an entry for this variant (Variation ID: 2138097). Invitae Evidence Modeling of protein sequence and biophysical properties (such as structural, functional, and spatial information, amino acid conservation, physicochemical variation, residue mobility, and thermodynamic stability) indicates that this missense variant is expected to disrupt SCN4A protein function with a positive predictive value of 95%. For these reasons, this variant has been classified as Pathogenic.

Genomic Medicine Center of Excellence, King Faisal Specialist Hospital and Research Centre
Classification: Likely pathogenic for Hyperkalemic periodic paralysis. Last evaluated: 2024-03-26. Review status: criteria provided, single submitter. Criteria: ACMG Guidelines, 2015. Collection method: clinical testing. Allele origin: germline.

Literature cited by the submitters: PubMed 22094069 (cited by Labcorp Genetics (formerly Invitae), Labcorp).

NM_000334.4(SCN4A):c.4382T>C (p.Leu1461Pro)

Genes: GH-LCR (growth hormone locus control region; plus strand), SCN4A (sodium voltage-gated channel alpha subunit 4; minus strand). Cytogenetic location: 17q23.3.
Variant type: single nucleotide variant.
Coding change: c.4382T>C on transcript NM_000334.4 (MANE Select); coding-DNA position 4382, T replaced by C.
Protein change: p.Leu1461Pro; replaces leucine 1461 with proline.
Molecular consequence: missense variant.
Genome position (GRCh38, 1-based): chr17:63,941,900, A>G on the plus strand (T>C on the coding strand, the complement: SCN4A is on the minus strand). VCF-style: chr17-63941900-A-G. GRCh37 (hg19) VCF-style: chr17-62019260-A-G.
Other names: short protein forms L1461P.
Identifiers: ClinVar variation 2138097 (VCV002138097.5), dbSNP rs2144774799, ClinGen allele CA400616127.